The following is an entry in ClinVar:

ClinVar aggregate classification (germline): Uncertain significance (1 of 4 stars; one submission).

Conditions:
Inborn genetic diseases. Identifiers: MedGen C0950123, MeSH D030342.

Submission:

Ambry Genetics
Classification: Uncertain significance for Inborn genetic diseases. Last evaluated: 2025-09-28. Review status: criteria provided, single submitter. Criteria: Ambry Variant Classification Scheme 2023. Collection method: clinical testing. Allele origin: germline.
Comment: The p.P424A variant (also known as c.1270C>G), located in coding exon 5 of the MBD4 gene, results from a C to G substitution at nucleotide position 1270. The proline at codon 424 is replaced by alanine, an amino acid with highly similar properties. This amino acid position is conserved. In addition, the in silico prediction for this alteration is inconclusive. Based on the available evidence, the clinical significance of this variant remains unclear.

NM_001276270.2(MBD4):c.1270C>G (p.Pro424Ala)

Gene: MBD4 (methyl-CpG binding domain 4, DNA glycosylase; minus strand). Cytogenetic location: 3q21.3.
Variant type: single nucleotide variant.
Coding change: c.1270C>G on transcript NM_001276270.2 (MANE Select); coding-DNA position 1270, C replaced by G.
Protein change: p.Pro424Ala; replaces proline 424 with alanine.
Molecular consequence: missense variant.
Genome position (GRCh38, 1-based): chr3:129,433,973, G>C on the plus strand (C>G on the coding strand, the complement: MBD4 is on the minus strand). VCF-style: chr3-129433973-G-C. GRCh37 (hg19) VCF-style: chr3-129152816-G-C.
Other names: c.1288C>G, p.Pro430Ala (NM_001276271.2, NM_001276272.2, NM_003925.3); c.334C>G, p.Pro112Ala (NM_001276273.2); short protein forms P424A, P430A, P112A.
Identifiers: ClinVar variation 4624384 (VCV004624384.1).